The following is an entry in ClinVar:

NM_006506.5(RASA2):c.1495G>A (p.Val499Ile)

Gene: RASA2 (RAS p21 protein activator 2; plus strand). Cytogenetic location: 3q23.
Variant type: single nucleotide variant.
Coding change: c.1495G>A on transcript NM_006506.5 (MANE Select); coding-DNA position 1495, G replaced by A.
Protein change: p.Val499Ile; replaces valine 499 with isoleucine.
Molecular consequence: missense variant.
Genome position (GRCh38, 1-based): chr3:141,577,011, G>A. VCF-style: chr3-141577011-G-A. GRCh37 (hg19) VCF-style: chr3-141295853-G-A.
Other names: c.1495G>A, p.Val499Ile (NM_001303245.3, NM_001303246.3); short protein forms V499I.
Identifiers: ClinVar variation 3682663 (VCV003682663.2).
Genomic context (GRCh38, chr3:141,577,011, plus strand): 5'-GTTTTTTAATTGTTTTTGTGCATGACATTTCACCATTTTTTTCCTGCAGATGACCCTCAT[G>A]TTCAGTATTCTGCAGTGAGCAGCTTTGTATTTCTTCGTTTCTTTGCTGTAGCCGTAGTAT-3'
Protein context (NP_006497.2, residues 489-509): ATQRFPNDPH[Val499Ile]QYSAVSSFVF

ClinVar aggregate classification (germline): Uncertain significance (1 of 4 stars; one submission).

gnomAD v4.1: 1 of 1,601,404 alleles (0.000062%); highest among the groups gnomAD compares: Non-Finnish European, 0.000085%; no homozygotes.

Submission:

Labcorp Genetics (formerly Invitae), Labcorp
Classification: Uncertain significance. Last evaluated: 2024-03-27. Review status: criteria provided, single submitter. Criteria: Invitae Variant Classification Sherloc (09022015). Collection method: clinical testing. Allele origin: germline.
Comment: This sequence change replaces valine, which is neutral and non-polar, with isoleucine, which is neutral and non-polar, at codon 499 of the RASA2 protein (p.Val499Ile). This variant is not present in population databases (gnomAD no frequency). This variant has not been reported in the literature in individuals affected with RASA2-related conditions. Advanced modeling of protein sequence and biophysical properties (such as structural, functional, and spatial information, amino acid conservation, physicochemical variation, residue mobility, and thermodynamic stability) performed at Invitae indicates that this missense variant is not expected to disrupt RASA2 protein function with a negative predictive value of 80%. In summary, the available evidence is currently insufficient to determine the role of this variant in disease. Therefore, it has been classified as a Variant of Uncertain Significance.